The following is an entry in ClinVar:

NM_021076.4(NEFH):c.943C>T (p.Gln315Ter)

Gene: NEFH (neurofilament heavy chain; plus strand). Cytogenetic location: 22q12.2.
Variant type: single nucleotide variant.
Coding change: c.943C>T on transcript NM_021076.4 (MANE Select); coding-DNA position 943, C replaced by T.
Protein change: p.Gln315Ter; replaces glutamine 315 with a stop codon.
Molecular consequence: nonsense.
Genome position (GRCh38, 1-based): chr22:29,483,434, C>T. VCF-style: chr22-29483434-C-T. GRCh37 (hg19) VCF-style: chr22-29879423-C-T.
Other names: p.Gln315*; short protein forms Q315*.
Identifiers: ClinVar variation 4542438 (VCV004542438.1).

ClinVar aggregate classification (germline): Uncertain significance (1 of 4 stars; one submission).

gnomAD v4.1: 1 of 1,613,916 alleles (0.000062%); highest among the groups gnomAD compares: South Asian, 0.0011%; no homozygotes.

Submission:

Mayo Clinic Laboratories, Mayo Clinic
Classification: Uncertain significance. Last evaluated: 2025-10-20. Review status: criteria provided, single submitter. Criteria: ACMG Guidelines, 2015. Collection method: clinical testing. Allele origin: germline. Observed: 1 variant allele.
Comment: BP5, PM2_supporting